The following is an entry in ClinVar:

ClinVar aggregate classification (germline): Pathogenic (1 of 4 stars; one submission).

Conditions:
Muscular dystrophy-dystroglycanopathy (congenital with brain and eye anomalies), type a, 12 (MDDGA12). Also called: WALKER-WARBURG SYNDROME OR MUSCLE-EYE-BRAIN DISEASE, POMK-RELATED. Identifiers: Orphanet 899, MedGen C3808964, MONDO:0014101, OMIM 615249.
Limb-girdle muscular dystrophy due to POMK deficiency. Also called: MUSCULAR DYSTROPHY-DYSTROGLYCANOPATHY, LIMB-GIRDLE, POMK-RELATED; Muscular dystrophy-dystroglycanopathy (limb-girdle), type c, 12. Identifiers: Orphanet 445110, MedGen C4015184, MONDO:0014489, OMIM 616094.

Submission:

Labcorp Genetics (formerly Invitae), Labcorp
Classification: Pathogenic for Muscular dystrophy-dystroglycanopathy (congenital with brain and eye anomalies), type a, 12; Limb-girdle muscular dystrophy due to POMK deficiency. Last evaluated: 2025-10-02. Review status: criteria provided, single submitter. Criteria: Invitae Variant Classification Sherloc (09022015). Collection method: clinical testing. Allele origin: germline.
Comment: This sequence change creates a premature translational stop signal (p.Val21Leufs*5) in the POMK gene. It is expected to result in an absent or disrupted protein product. Loss-of-function variants in POMK are known to be pathogenic (PMID: 24925318). This variant is present in population databases (rs766034249, gnomAD 0.0009%). This variant has not been reported in the literature in individuals affected with POMK-related conditions. ClinVar contains an entry for this variant (Variation ID: 3752434). For these reasons, this variant has been classified as Pathogenic.

Literature cited by the submitters: PubMed 24925318.

NM_032237.5(POMK):c.61del (p.Val21fs)

Gene: POMK (protein O-mannose kinase; plus strand). Cytogenetic location: 8p11.21.
Variant type: Deletion.
Coding change: c.61del on transcript NM_032237.5 (MANE Select); coding-DNA position 61, one base deleted (G; older notation c.61delG).
Protein change: p.Val21fs; shifts the reading frame from valine 21.
Molecular consequence: frameshift variant.
Genome position (GRCh38, 1-based): chr8:43,103,609, G deleted. VCF-style (leftmost placement, unchanged base first): chr8-43103608-TG-T. GRCh37 (hg19) VCF-style: chr8-42958751-TG-T.
Other names: c.61del, p.Val21fs (NM_001277971.2); short protein forms V21fs.
Identifiers: ClinVar variation 3752434 (VCV003752434.2).